The following is an entry in ClinVar:

NM_001375567.1(FOCAD):c.1679A>C (p.Glu560Ala)

Gene: FOCAD (focadhesin; plus strand). Cytogenetic location: 9p21.3.
Variant type: single nucleotide variant.
Coding change: c.1679A>C on transcript NM_001375567.1 (MANE Select); coding-DNA position 1679, A replaced by C.
Protein change: p.Glu560Ala; replaces glutamic acid 560 with alanine.
Molecular consequence: missense variant.
Genome position (GRCh38, 1-based): chr9:20,820,957, A>C. VCF-style: chr9-20820957-A-C. GRCh37 (hg19) VCF-style: chr9-20820956-A-C.
Other names: c.1574A>C, p.Glu525Ala (NM_001375568.1, NM_001375570.1); c.1679A>C, p.Glu560Ala (NM_017794.5); short protein forms E525A, E560A.
Identifiers: ClinVar variation 3516497 (VCV003516497.3).

ClinVar aggregate classification (germline): Uncertain significance. Review status: criteria provided, multiple submitters, no conflicts (2 of 4 stars). 2 submissions from 2 submitters: Uncertain significance (2). Last evaluated 2024-07-16.

Conditions:
Inborn genetic diseases. Identifiers: MedGen C0950123, MeSH D030342.

gnomAD v4.1: 38 of 1,612,470 alleles (0.0024%); highest among the groups gnomAD compares: South Asian, 0.042%; 1 homozygote.

Submissions (2):

Labcorp Genetics (formerly Invitae), Labcorp
Classification: Uncertain significance. Last evaluated: 2024-07-16. Review status: criteria provided, single submitter. Criteria: Invitae Variant Classification Sherloc (09022015). Collection method: clinical testing. Allele origin: germline.
Comment: This sequence change replaces glutamic acid, which is acidic and polar, with alanine, which is neutral and non-polar, at codon 560 of the FOCAD protein (p.Glu560Ala). This variant is present in population databases (rs761260599, gnomAD 0.04%). This variant has not been reported in the literature in individuals affected with FOCAD-related conditions. Experimental studies and prediction algorithms are not available or were not evaluated, and the functional significance of this variant is currently unknown. In summary, the available evidence is currently insufficient to determine the role of this variant in disease. Therefore, it has been classified as a Variant of Uncertain Significance.

Ambry Genetics
Classification: Uncertain significance for Inborn genetic diseases. Last evaluated: 2024-07-09. Review status: criteria provided, single submitter. Criteria: Ambry Variant Classification Scheme 2023. Collection method: clinical testing. Allele origin: germline.